The following is an entry in ClinVar:

NM_001378609.3(OTOGL):c.5710G>A (p.Asp1904Asn)

Gene: OTOGL (otogelin like; plus strand). Cytogenetic location: 12q21.31.
Variant type: single nucleotide variant.
Coding change: c.5710G>A on transcript NM_001378609.3 (MANE Select); coding-DNA position 5710, G replaced by A.
Protein change: p.Asp1904Asn; replaces aspartic acid 1904 with asparagine.
Molecular consequence: missense variant.
Genome position (GRCh38, 1-based): chr12:80,355,852, G>A. VCF-style: chr12-80355852-G-A. GRCh37 (hg19) VCF-style: chr12-80749632-G-A.
Other names: c.5575G>A, p.Asp1859Asn (NM_001368062.3); c.5710G>A, p.Asp1904Asn (NM_001378610.3, NM_173591.7); short protein forms D1895N, D1859N, D1904N.
Identifiers: ClinVar variation 226960 (VCV000226960.38), dbSNP rs145653077, ClinGen allele CA6701786.

ClinVar aggregate classification (germline): Benign. Review status: criteria provided, multiple submitters, no conflicts (2 of 4 stars). 6 submissions from 6 submitters: Benign (6). Last evaluated 2026-02-01.

Allele frequency attached by ClinVar (database versions not stated): ESP Exome Variant Server 0.00173; 1000 Genomes Project 0.00180; 1000 Genomes Project 30x 0.00203; TOPMed 0.00217; gnomAD exomes 0.00326 and 0.00568; ExAC 0.00499; gnomAD 0.00578 and 0.00603.
gnomAD v4.1: 5,625 of 1,613,898 alleles (0.35%); highest among the groups gnomAD compares: Admixed American, 0.28%; 64 homozygotes.

Submissions (6):

CeGaT Center for Human Genetics Tuebingen
Classification: Benign. Last evaluated: 2026-02-01. Review status: criteria provided, single submitter. Criteria: CeGaT Center For Human Genetics Tuebingen Variant Classification Criteria Version 2. Collection method: clinical testing. Allele origin: germline. Affected: yes. Observed: 9 variant alleles.
Comment: OTOGL: BP4, BS1, BS2

Labcorp Genetics (formerly Invitae), Labcorp
Classification: Benign. Last evaluated: 2025-11-16. Review status: criteria provided, single submitter. Criteria: Invitae Variant Classification Sherloc (09022015). Collection method: clinical testing. Allele origin: germline.

Athena Diagnostics
Classification: Benign. Last evaluated: 2019-03-13. Review status: criteria provided, single submitter. Criteria: Athena Diagnostics Criteria. Collection method: clinical testing. Allele origin: germline.

GeneDx
Classification: Benign. Last evaluated: 2018-01-16. Review status: criteria provided, single submitter. Criteria: GeneDx Variant Classification (06012015). Collection method: clinical testing. Allele origin: germline. Affected: yes.
Comment: This variant is considered likely benign or benign based on one or more of the following criteria: it is a conservative change, it occurs at a poorly conserved position in the protein, it is predicted to be benign by multiple in silico algorithms, and/or has population frequency not consistent with disease.

Laboratory for Molecular Medicine, Mass General Brigham Personalized Medicine
Classification: Benign. Last evaluated: 2015-06-16. Review status: criteria provided, single submitter. Criteria: LMM Criteria. Collection method: clinical testing. Allele origin: germline. Observed: 10 variant alleles.
Comment: p.Asp1895Asn in exon 46 of OTOGL: This variant is not expected to have clinical significance because it has been identified in 3.79% (251/6614) of Finnish chrom osomes by the Exome Aggregation Consortium (ExAC ; dbSNP rs145653077).

Breakthrough Genomics
Classification: Benign. Review status: criteria provided, single submitter. Criteria: ACMG Guidelines, 2015. Collection method: not provided. Allele origin: germline. Inheritance: Autosomal recessive inheritance. Affected: yes.